The following is an entry in ClinVar:

ClinVar aggregate classification (germline): Conflicting classifications of pathogenicity. Review status: criteria provided, conflicting classifications (1 of 4 stars). 2 submissions from 2 submitters: Uncertain significance (1); Benign (1). Last evaluated 2025-02-01.

Submissions (2):

Ambry Genetics
Classification: Uncertain significance. Last evaluated: 2025-02-01. Review status: criteria provided, single submitter. Criteria: Ambry Variant Classification Scheme 2023. Collection method: clinical testing. Allele origin: germline.

CeGaT Center for Human Genetics Tuebingen
Classification: Benign. Last evaluated: 2022-10-01. Review status: criteria provided, single submitter. Criteria: CeGaT Center For Human Genetics Tuebingen Variant Classification Criteria Version 2. Collection method: clinical testing. Allele origin: germline. Affected: yes. Observed: 1 variant allele.
Comment: CELSR1: BS1, BS2

NM_001378328.1(CELSR1):c.8813C>A (p.Pro2938Gln)

Gene: CELSR1 (cadherin EGF LAG seven-pass G-type receptor 1; minus strand). Cytogenetic location: 22q13.31.
Variant type: single nucleotide variant.
Coding change: c.8813C>A on transcript NM_001378328.1 (MANE Select); coding-DNA position 8813, C replaced by A.
Protein change: p.Pro2938Gln; replaces proline 2938 with glutamine.
Molecular consequence: missense variant.
Genome position (GRCh38, 1-based): chr22:46,364,218, G>T on the plus strand (C>A on the coding strand, the complement: CELSR1 is on the minus strand). VCF-style: chr22-46364218-G-T. GRCh37 (hg19) VCF-style: chr22-46760115-G-T.
Other names: c.8813C>A, p.Pro2938Gln (NM_014246.4); c.8813C>A (NM_014246.1); short protein forms P2938Q.
Identifiers: ClinVar variation 2653306 (VCV002653306.26), dbSNP rs199661483, ClinGen allele CA10292620.